The following is an entry in ClinVar:

NM_018368.4(LMBRD1):c.959T>C (p.Val320Ala)

Gene: LMBRD1 (LMBR1 domain containing 1; minus strand). Cytogenetic location: 6q13.
Variant type: single nucleotide variant.
Coding change: c.959T>C on transcript NM_018368.4 (MANE Select); coding-DNA position 959, T replaced by C.
Protein change: p.Val320Ala; replaces valine 320 with alanine.
Molecular consequence: missense variant.
Genome position (GRCh38, 1-based): chr6:69,701,910, A>G on the plus strand (T>C on the coding strand, the complement: LMBRD1 is on the minus strand). VCF-style: chr6-69701910-A-G. GRCh37 (hg19) VCF-style: chr6-70411802-A-G.
Other names: c.740T>C, p.Val247Ala (NM_001363722.2, NM_001367271.1, NM_001367272.1); short protein forms V247A, V320A.
Identifiers: ClinVar variation 2229545 (VCV002229545.2), dbSNP rs761327077, ClinGen allele CA3879734.

ClinVar aggregate classification (germline): Uncertain significance (1 of 4 stars; one submission).

Conditions:
Inborn genetic diseases. Identifiers: MedGen C0950123, MeSH D030342.

Allele frequency attached by ClinVar (database versions not stated): gnomAD 0.00001; gnomAD exomes 0.00001; TOPMed 0.00001; ExAC 0.00003.
gnomAD v4.1: 21 of 1,600,762 alleles (0.0013%); highest among the groups gnomAD compares: Non-Finnish European, 0.0017%; no homozygotes.

Submission:

Ambry Genetics
Classification: Uncertain significance for Inborn genetic diseases. Last evaluated: 2021-03-22. Review status: criteria provided, single submitter. Criteria: Ambry Variant Classification Scheme 2023. Collection method: clinical testing. Allele origin: germline.
Comment: The c.959T>C (p.V320A) alteration is located in exon 10 (coding exon 10) of the LMBRD1 gene. This alteration results from a T to C substitution at nucleotide position 959, causing the valine (V) at amino acid position 320 to be replaced by an alanine (A). The p.V320A alteration is predicted to be tolerated by in silico analysis. Based on insufficient or conflicting evidence, the clinical significance of this alteration remains unclear.